The following is an entry in ClinVar:

NM_000352.6(ABCC8):c.4400del (p.Pro1467fs)

Gene: ABCC8 (ATP binding cassette subfamily C member 8; minus strand). Cytogenetic location: 11p15.1.
Variant type: Deletion.
Coding change: c.4400del on transcript NM_000352.6 (MANE Select); coding-DNA position 4400, one base deleted (C; older notation c.4400delC).
Protein change: p.Pro1467fs; shifts the reading frame from proline 1467.
Molecular consequence: frameshift variant. On other transcripts: non-coding transcript variant (1).
Genome position (GRCh38, 1-based): chr11:17,395,183, G deleted on the plus strand (C on the coding strand, the reverse complement: ABCC8 is on the minus strand); the first of 2 consecutive G bases (chr11:17,395,183-17,395,184); deleting either gives the same sequence. VCF-style (leftmost placement, unchanged base first): chr11-17395182-TG-T. GRCh37 (hg19) VCF-style: chr11-17416729-TG-T.
Other names: c.4403del, p.Pro1468fs (NM_001287174.3); c.4466del, p.Pro1489fs (NM_001351295.2); c.4400del, p.Pro1467fs (NM_001351296.2); c.4397del, p.Pro1466fs (NM_001351297.2); short protein forms P1489fs, P1467fs, P1468fs, P1466fs.
Identifiers: ClinVar variation 2700301 (VCV002700301.4), dbSNP rs2496445175, ClinGen allele CA2574768359.
Genomic context (GRCh38, chr11:17,395,182, plus strand): 5'-AGGGTCCTTGAGTGCCCAACCAACCCAGCTGCATAGCCAGGAGTAGTTACCGAGGCCTCC[TG>T]GCAGTGCCTTCACCACCAGCTTCAGCTGGGCGATTTCCAGGGCCTCCCACAGTGTGCTAT-3'

ClinVar aggregate classification (germline): Pathogenic. Review status: criteria provided, multiple submitters, no conflicts (2 of 4 stars). 2 submissions from 2 submitters: Pathogenic (2). Last evaluated 2025-06-26.

Conditions:
Hyperinsulinemic hypoglycemia, familial, 1 (HHF1). Also called: HYPERINSULINISM, FAMILIAL, WITH PANCREATIC NESIDIOBLASTOSIS; HYPOGLYCEMIA, HYPERINSULINEMIC, OF INFANCY; NESIDIOBLASTOSIS OF PANCREAS; Persistent hyperinsulinemic hypoglycemia of infancy; Persistent Hyperinsulinemia Hypoglycemia of Infancy. Identifiers: Orphanet 276575, Orphanet 276598, MedGen C2931832, MONDO:0009734, OMIM 256450.

Submissions (2):

Myriad Genetics, Inc.
Classification: Pathogenic for Hyperinsulinemic hypoglycemia, familial, 1. Last evaluated: 2025-06-26. Review status: criteria provided, single submitter. Criteria: Myriad Autosomal Dominant, Autosomal Recessive and X-Linked Classification Criteria (2023). Collection method: clinical testing. Allele origin: unknown.
Comment: NM_000352.3(ABCC8):c.4400delC(P1467Qfs*30) is expected to be pathogenic in the context of familial hyperinsulinism, ABCC8-related. This variant is predicted to lead to an abnormal or absent protein product due to the creation of a premature termination codon in ABCC8, a gene where loss-of-function variants are known to be pathogenic. Please note: this variant was assessed in the context of healthy population screening.

Labcorp Genetics (formerly Invitae), Labcorp
Classification: Pathogenic. Last evaluated: 2023-12-01. Review status: criteria provided, single submitter. Criteria: Invitae Variant Classification Sherloc (09022015). Collection method: clinical testing. Allele origin: germline.
Comment: This sequence change creates a premature translational stop signal (p.Pro1467Glnfs*30) in the ABCC8 gene. It is expected to result in an absent or disrupted protein product. Loss-of-function variants in ABCC8 are known to be pathogenic (PMID: 20685672, 23345197). This variant is not present in population databases (gnomAD no frequency). This variant has not been reported in the literature in individuals affected with ABCC8-related conditions. For these reasons, this variant has been classified as Pathogenic.

Literature cited by the submitters: PubMed 20685672 (cited by Labcorp Genetics (formerly Invitae), Labcorp); PubMed 23345197 (cited by Labcorp Genetics (formerly Invitae), Labcorp).